The following is an entry in ClinVar:

NM_000400.4(ERCC2):c.1292C>T (p.Pro431Leu)

Gene: ERCC2 (ERCC excision repair 2, TFIIH core complex helicase subunit; minus strand). Cytogenetic location: 19q13.32.
Variant type: single nucleotide variant.
Coding change: c.1292C>T on transcript NM_000400.4 (MANE Select); coding-DNA position 1292, C replaced by T.
Protein change: p.Pro431Leu; replaces proline 431 with leucine.
Molecular consequence: missense variant.
Genome position (GRCh38, 1-based): chr19:45,357,645, G>A on the plus strand (C>T on the coding strand, the complement: ERCC2 is on the minus strand). VCF-style: chr19-45357645-G-A. GRCh37 (hg19) VCF-style: chr19-45860903-G-A.
Other names: short protein forms P431L.
Identifiers: ClinVar variation 2566678 (VCV002566678.2), dbSNP rs1266742977, ClinGen allele CA406367971.

ClinVar aggregate classification (germline): Uncertain significance (1 of 4 stars; one submission).

Conditions:
Inborn genetic diseases. Identifiers: MedGen C0950123, MeSH D030342.

gnomAD v4.1: 1 of 1,614,140 alleles (0.000062%); highest among the groups gnomAD compares: Non-Finnish European, 0.000085%; no homozygotes.

Submission:

Ambry Genetics
Classification: Uncertain significance for Inborn genetic diseases. Last evaluated: 2023-03-20. Review status: criteria provided, single submitter. Criteria: Ambry Variant Classification Scheme 2023. Collection method: clinical testing. Allele origin: germline.
Comment: The p.P431L variant (also known as c.1292C>T), located in coding exon 13 of the ERCC2 gene, results from a C to T substitution at nucleotide position 1292. The proline at codon 431 is replaced by leucine, an amino acid with similar properties. This amino acid position is conserved. In addition, this alteration is predicted to be deleterious by in silico analysis. Since supporting evidence is limited at this time, the clinical significance of this alteration remains unclear.